The following is an entry in ClinVar:

NC_000005.10:g.(?_138810028)_(138827728_?)del

Gene: CTNNA1 (catenin alpha 1; plus strand). Cytogenetic location: 5q31.2.
Variant type: Deletion.
Identifiers: ClinVar variation 832165 (VCV000832165.7).

ClinVar aggregate classification (germline): Pathogenic (1 of 4 stars; one submission).

Submission:

Labcorp Genetics (formerly Invitae), Labcorp
Classification: Pathogenic. Last evaluated: 2023-05-15. Review status: criteria provided, single submitter. Criteria: Invitae Variant Classification Sherloc (09022015). Collection method: clinical testing. Allele origin: germline.
Comment: For these reasons, this variant has been classified as Pathogenic. This variant has not been reported in the literature in individuals affected with CTNNA1-related conditions. This variant is a gross deletion of the genomic region encompassing exon(s) 4-7 of the CTNNA1 gene. This deletion is out-of-frame, and is expected to create a premature termination codon and result in an absent or disrupted protein product. Loss-of-function variants in CTNNA1 are known to be pathogenic (PMID: 32051609, 34425242).

Literature cited by the submitters: PubMed 32051609; PubMed 34425242.